The following is an entry in ClinVar:

NM_005450.6(NOG):c.395G>T (p.Gly132Val)

Gene: NOG (noggin; plus strand). Cytogenetic location: 17q22.
Variant type: single nucleotide variant.
Coding change: c.395G>T on transcript NM_005450.6 (MANE Select); coding-DNA position 395, G replaced by T.
Protein change: p.Gly132Val; replaces glycine 132 with valine.
Molecular consequence: missense variant.
Genome position (GRCh38, 1-based): chr17:56,594,618, G>T. VCF-style: chr17-56594618-G-T. GRCh37 (hg19) VCF-style: chr17-54671979-G-T.
Other names: short protein forms G132V.
Identifiers: ClinVar variation 2793113 (VCV002793113.3), dbSNP rs2052470539, ClinGen allele CA399966021.

ClinVar aggregate classification (germline): Uncertain significance (1 of 4 stars; one submission).

gnomAD v4.1: 1 of 1,613,278 alleles (0.000062%); no homozygotes.

Submission:

Labcorp Genetics (formerly Invitae), Labcorp
Classification: Uncertain significance. Last evaluated: 2023-08-16. Review status: criteria provided, single submitter. Criteria: Invitae Variant Classification Sherloc (09022015). Collection method: clinical testing. Allele origin: germline.
Comment: This sequence change replaces glycine, which is neutral and non-polar, with valine, which is neutral and non-polar, at codon 132 of the NOG protein (p.Gly132Val). This variant is not present in population databases (gnomAD no frequency). This variant has not been reported in the literature in individuals affected with NOG-related conditions. An algorithm developed to predict the effect of missense changes on protein structure and function (PolyPhen-2) suggests that this variant is likely to be disruptive. In summary, the available evidence is currently insufficient to determine the role of this variant in disease. Therefore, it has been classified as a Variant of Uncertain Significance.